The following is an entry in ClinVar:

NM_018026.4(PACS1):c.1069G>C (p.Glu357Gln)

Gene: PACS1 (phosphofurin acidic cluster sorting protein 1; plus strand). Cytogenetic location: 11q13.2.
Variant type: single nucleotide variant.
Coding change: c.1069G>C on transcript NM_018026.4 (MANE Select); coding-DNA position 1069, G replaced by C.
Protein change: p.Glu357Gln; replaces glutamic acid 357 with glutamine.
Molecular consequence: missense variant.
Genome position (GRCh38, 1-based): chr11:66,220,661, G>C. VCF-style: chr11-66220661-G-C. GRCh37 (hg19) VCF-style: chr11-65988132-G-C.
Other names: short protein forms E357Q.
Identifiers: ClinVar variation 1721644 (VCV001721644.6), dbSNP rs750459659, ClinGen allele CA381355782.

ClinVar aggregate classification (germline): Uncertain significance (1 of 4 stars; one submission).

Conditions:
Schuurs-Hoeijmakers syndrome. Also called: PACS1-Related Neurodevelopmental Disorder. Identifiers: Orphanet 329224, MedGen C3554343, MONDO:0014006, OMIM 615009.

gnomAD v4.1: 2 of 1,614,142 alleles (0.00012%); no homozygotes.

Submission:

Labcorp Genetics (formerly Invitae), Labcorp
Classification: Uncertain significance for Schuurs-Hoeijmakers syndrome. Last evaluated: 2022-11-20. Review status: criteria provided, single submitter. Criteria: Invitae Variant Classification Sherloc (09022015). Collection method: clinical testing. Allele origin: germline.
Comment: In summary, the available evidence is currently insufficient to determine the role of this variant in disease. Therefore, it has been classified as a Variant of Uncertain Significance. Advanced modeling of protein sequence and biophysical properties (such as structural, functional, and spatial information, amino acid conservation, physicochemical variation, residue mobility, and thermodynamic stability) performed at Invitae indicates that this missense variant is expected to disrupt PACS1 protein function. This variant has not been reported in the literature in individuals affected with PACS1-related conditions. This variant is not present in population databases (gnomAD no frequency). This sequence change replaces glutamic acid, which is acidic and polar, with glutamine, which is neutral and polar, at codon 357 of the PACS1 protein (p.Glu357Gln).